The following is an entry in ClinVar:

NM_000492.4(CFTR):c.915C>G (p.Phe305Leu)

Gene: CFTR (CF transmembrane conductance regulator; plus strand). Cytogenetic location: 7q31.2.
Variant type: single nucleotide variant.
Coding change: c.915C>G on transcript NM_000492.4 (MANE Select); coding-DNA position 915, C replaced by G.
Protein change: p.Phe305Leu; replaces phenylalanine 305 with leucine.
Molecular consequence: missense variant.
Genome position (GRCh38, 1-based): chr7:117,540,145, C>G. VCF-style: chr7-117540145-C-G. GRCh37 (hg19) VCF-style: chr7-117180199-C-G.
Other names: short protein forms F305L.
Identifiers: ClinVar variation 1765992 (VCV001765992.2), dbSNP rs1800083, ClinGen allele CA368978153.
Genomic context (GRCh38, chr7:117,540,145, plus strand): 5'-TATTGTTTTTTATAGAACAGAACTGAAACTGACTCGGAAGGCAGCCTATGTGAGATACTT[C>G]AATAGCTCAGCCTTCTTCTTCTCAGGGTTCTTTGTGGTGTTTTTATCTGTGCTTCCCTAT-3'
Protein context (NP_000483.3, residues 295-315): LTRKAAYVRY[Phe305Leu]NSSAFFFSGF

ClinVar aggregate classification (germline): Uncertain significance (1 of 4 stars; one submission).

Conditions:
Cystic fibrosis (CF). Also called: MUCOVISCIDOSIS. Identifiers: Orphanet 586, MedGen C0010674, MONDO:0009061, OMIM 219700. Disease mechanism: loss of function.

Submission:

Ambry Genetics
Classification: Uncertain significance for Cystic fibrosis. Last evaluated: 2022-03-01. Review status: criteria provided, single submitter. Criteria: Ambry Variant Classification Scheme 2023. Collection method: clinical testing. Allele origin: germline.
Comment: The p.F305L variant (also known as c.915C>G), located in coding exon 8 of the CFTR gene, results from a C to G substitution at nucleotide position 915. The phenylalanine at codon 305 is replaced by leucine, an amino acid with highly similar properties. This amino acid position is conserved. In addition, the in silico prediction for this alteration is inconclusive. Since supporting evidence is limited at this time, the clinical significance of this alteration remains unclear.